The following is an entry in ClinVar:

ClinVar aggregate classification (germline): Uncertain significance (1 of 4 stars; one submission).

gnomAD v4.1: 27 of 1,526,028 alleles (0.0018%); highest among the groups gnomAD compares: Admixed American, 0.006%; no homozygotes.

Submission:

GeneDx
Classification: Uncertain significance. Last evaluated: 2024-02-08. Review status: criteria provided, single submitter. Criteria: GeneDx Variant Classification Process June 2021. Collection method: clinical testing. Allele origin: germline. Affected: yes.
Comment: Not observed at significant frequency in large population cohorts (gnomAD); In silico analysis supports that this missense variant does not alter protein structure/function; Has not been previously published as pathogenic or benign to our knowledge

NM_133259.4(LRPPRC):c.7G>C (p.Ala3Pro)

Gene: LRPPRC (leucine rich pentatricopeptide repeat containing; minus strand). Cytogenetic location: 2p21.
Variant type: single nucleotide variant.
Coding change: c.7G>C on transcript NM_133259.4 (MANE Select); coding-DNA position 7, G replaced by C.
Protein change: p.Ala3Pro; replaces alanine 3 with proline.
Molecular consequence: missense variant.
Genome position (GRCh38, 1-based): chr2:43,995,941, C>G on the plus strand (G>C on the coding strand, the complement: LRPPRC is on the minus strand). VCF-style: chr2-43995941-C-G. GRCh37 (hg19) VCF-style: chr2-44223080-C-G.
Other names: short protein forms A3P.
Identifiers: ClinVar variation 3368894 (VCV003368894.1).